The following is an entry in ClinVar:

ClinVar aggregate classification (germline): Conflicting classifications of pathogenicity. Review status: criteria provided, conflicting classifications (1 of 4 stars). 4 submissions from 4 submitters: Uncertain significance (2); Likely benign (1). 1 of the submissions does not count toward it. Last evaluated 2025-07-20.

Conditions:
Hereditary breast ovarian cancer syndrome. Also called: Breast and ovarian cancer; Hereditary breast and ovarian cancer; Hereditary breast and ovarian cancer syndrome; BRCA1- and BRCA2-Associated Hereditary Breast and Ovarian Cancer; Hereditary breast and ovarian cancer syndrome (HBOC); Hereditary breast and/or ovarian cancer syndrome. Identifiers: Orphanet 145, MedGen C0677776, MeSH D061325, MONDO:0003582. Disease mechanism: loss of function.
Hereditary cancer-predisposing syndrome. Also called: Tumor predisposition; Hereditary Cancer Syndrome; Neoplastic Syndromes, Hereditary; Hereditary neoplastic syndrome. Identifiers: Orphanet 140162, MedGen C0027672, MeSH D009386, MONDO:0015356.
Breast-ovarian cancer, familial, susceptibility to, 2 (BROVCA2). Also called: BRCA2 Hereditary Breast and Ovarian Cancer. Identifiers: Orphanet 145, MedGen C2675520, MONDO:0012933, OMIM 612555. Disease mechanism: loss of function.

Submissions (4):

Ambry Genetics
Classification: Uncertain significance for Hereditary cancer-predisposing syndrome. Last evaluated: 2025-07-20. Review status: criteria provided, single submitter. Criteria: Ambry Variant Classification Scheme 2023. Collection method: clinical testing. Allele origin: germline.
Comment: The p.A1847T variant (also known as c.5539G>A), located in coding exon 10 of the BRCA2 gene, results from a G to A substitution at nucleotide position 5539. The alanine at codon 1847 is replaced by threonine, an amino acid with similar properties. This amino acid position is highly conserved in available vertebrate species. In addition, the in silico prediction for this alteration is inconclusive. Based on the available evidence, the clinical significance of this variant remains unclear.

University of Washington Department of Laboratory Medicine, University of Washington
Classification: Likely benign for Hereditary cancer-predisposing syndrome. Last evaluated: 2023-03-23. Review status: criteria provided, single submitter. Criteria: Dines et al. (Genet Med. 2020). Collection method: curation. Allele origin: germline.
Comment: Missense variant in a coldspot region where missense variants are very unlikely to be pathogenic (PMID:31911673).

BRCA2 exon 11 coldspot. Reclassification based on statistical prior probability.

Labcorp Genetics (formerly Invitae), Labcorp
Classification: Uncertain significance for Hereditary breast ovarian cancer syndrome. Last evaluated: 2022-04-25. Review status: criteria provided, single submitter. Criteria: Invitae Variant Classification Sherloc (09022015). Collection method: clinical testing. Allele origin: germline.
Comment: This variant has not been reported in the literature in individuals affected with BRCA2-related conditions. In summary, the available evidence is currently insufficient to determine the role of this variant in disease. Therefore, it has been classified as a Variant of Uncertain Significance. Advanced modeling of protein sequence and biophysical properties (such as structural, functional, and spatial information, amino acid conservation, physicochemical variation, residue mobility, and thermodynamic stability) performed at Invitae indicates that this missense variant is not expected to disrupt BRCA2 protein function. ClinVar contains an entry for this variant (Variation ID: 91417). This variant is not present in population databases (gnomAD no frequency). This sequence change replaces alanine, which is neutral and non-polar, with threonine, which is neutral and polar, at codon 1847 of the BRCA2 protein (p.Ala1847Thr).

Sharing Clinical Reports Project (SCRP)
Classification: Uncertain significance for Breast-ovarian cancer, familial 2. Last evaluated: 2010-02-26. Review status: no assertion criteria provided. Collection method: clinical testing. Allele origin: germline. Not counted in ClinVar's aggregate classification.

Literature cited by the submitters: PubMed 29884841 (cited by Ambry Genetics).

NM_000059.4(BRCA2):c.5539G>A (p.Ala1847Thr)

Gene: BRCA2 (BRCA2 DNA repair associated; plus strand). Cytogenetic location: 13q13.1.
Variant type: single nucleotide variant.
Coding change: c.5539G>A on transcript NM_000059.4 (MANE Select); coding-DNA position 5539, G replaced by A.
Protein change: p.Ala1847Thr; replaces alanine 1847 with threonine.
Molecular consequence: missense variant.
Genome position (GRCh38, 1-based): chr13:32,339,894, G>A. VCF-style: chr13-32339894-G-A. GRCh37 (hg19) VCF-style: chr13-32914031-G-A.
Other names: A1847T; 5767G>A; c.5539G>A, p.Ala1847Thr (NM_001406719.1, NM_001406720.1).
Identifiers: ClinVar variation 91417 (VCV000091417.11), dbSNP rs398122534, ClinGen allele CA022516.
Genomic context (GRCh38, chr13:32,339,894, plus strand): 5'-ATTAAATTGTCCATATCTAATAGTAATAATTTTGAGGTAGGGCCACCTGCATTTAGGATA[G>A]CCAGTGGTAAAATCGTTTGTGTTTCACATGAAACAATTAAAAAAGTGAAAGACATATTTA-3'
Protein context (NP_000050.3, residues 1837-1857): FEVGPPAFRI[Ala1847Thr]SGKIVCVSHE